The following is an entry in ClinVar:

NM_000124.4(ERCC6):c.3040C>T (p.Gln1014Ter)

Gene: ERCC6 (ERCC excision repair 6, chromatin remodeling factor; minus strand). Cytogenetic location: 10q11.23.
Variant type: single nucleotide variant.
Coding change: c.3040C>T on transcript NM_000124.4 (MANE Select); coding-DNA position 3040, C replaced by T.
Protein change: p.Gln1014Ter; replaces glutamine 1014 with a stop codon.
Molecular consequence: nonsense.
Genome position (GRCh38, 1-based): chr10:49,471,005, G>A on the plus strand (C>T on the coding strand, the complement: ERCC6 is on the minus strand). VCF-style: chr10-49471005-G-A. GRCh37 (hg19) VCF-style: chr10-50679051-G-A.
Other names: c.3040C>T, p.Gln1014Ter (NM_001346440.2); short protein forms Q1014*.
Identifiers: ClinVar variation 1453778 (VCV001453778.9), dbSNP rs2132537982, ClinGen allele CA376717419.

ClinVar aggregate classification (germline): Pathogenic/Likely pathogenic. Review status: criteria provided, multiple submitters, no conflicts (2 of 4 stars). 3 submissions from 3 submitters: Pathogenic (2); Likely pathogenic (1). Last evaluated 2023-08-16.

Conditions:
Cockayne spectrum with or without cerebrooculofacioskeletal syndrome. Identifiers: MedGen CN315928, MONDO:0100506.
Lung cancer. Also called: Malignant tumor of lung; Lung cancer, somatic. Identifiers: MedGen C0242379, MONDO:0008903, OMIM 211980.
DE SANCTIS-CACCHIONE SYNDROME. Identifiers: MedGen C0265201, MONDO:0010217, OMIM 278800.
Cerebrooculofacioskeletal syndrome 1 (COFS1). Also called: Cerebro-oculo-facio-skeletal syndrome 1. Identifiers: MedGen C0220722, MONDO:0008955, OMIM 214150.
Cockayne syndrome type 2 (CSB). Also called: Cockayne Syndrome, Type II; COCKAYNE SYNDROME B. Identifiers: Orphanet 191, Orphanet 90322, MedGen C0751038, MONDO:0019570, OMIM 133540.
UV-sensitive syndrome 1 (UVSS1). Identifiers: Orphanet 178338, MedGen C3551173, MONDO:0010909, OMIM 600630.
Age related macular degeneration 5. Identifiers: MedGen C3151063, MONDO:0013409, OMIM 613761.
Premature ovarian failure 11 (POF11). Identifiers: MedGen C4310783, MONDO:0014843, OMIM 616946.

Submissions (3):

Myriad Genetics, Inc.
Classification: Pathogenic for Cockayne spectrum with or without cerebrooculofacioskeletal syndrome. Last evaluated: 2023-08-16. Review status: criteria provided, single submitter. Criteria: Myriad Autosomal Dominant, Autosomal Recessive and X-Linked Classification Criteria (2023). Collection method: clinical testing. Allele origin: unknown.
Comment: NM_000124.2(ERCC6):c.3040C>T(Q1014*) is expected to be pathogenic in the context of ERCC6-related disorders. This variant is predicted to lead to an abnormal or absent protein product due to the creation of a premature termination codon in ERCC6, a gene where loss-of-function variants are known to be pathogenic. Please note: this variant was assessed in the context of healthy population screening.

Labcorp Genetics (formerly Invitae), Labcorp
Classification: Pathogenic. Last evaluated: 2020-12-29. Review status: criteria provided, single submitter. Criteria: Invitae Variant Classification Sherloc (09022015). Collection method: clinical testing. Allele origin: germline.
Comment: This sequence change creates a premature translational stop signal (p.Gln1014*) in the ERCC6 gene. It is expected to result in an absent or disrupted protein product. Loss-of-function variants in ERCC6 are known to be pathogenic (PMID: 18628313, 29572252). This variant is not present in population databases (ExAC no frequency). This variant has not been reported in the literature in individuals with ERCC6-related conditions. For these reasons, this variant has been classified as Pathogenic.

Juno Genomics, Hangzhou Juno Genomics, Inc
Classification: Likely pathogenic for UV-sensitive syndrome 1; DE SANCTIS-CACCHIONE SYNDROME; Lung cancer; Age related macular degeneration 5; Cerebrooculofacioskeletal syndrome 1; Cockayne syndrome type 2; Premature ovarian failure 11. Review status: criteria provided, single submitter. Criteria: ACMG Guidelines, 2015. Collection method: clinical testing. Allele origin: germline.
Comment: Absent from controls (or at extremely low frequency if recessive) in Genome Aggregation Database.;Null variant in a gene where loss of function (LOF) is a known mechanism of disease.

Literature cited by the submitters: PubMed 18628313 (cited by Labcorp Genetics (formerly Invitae), Labcorp); PubMed 29572252 (cited by Labcorp Genetics (formerly Invitae), Labcorp).